The following is an entry in ClinVar:

ClinVar aggregate classification (germline): Uncertain significance (1 of 4 stars; one submission).

Conditions:
Bethlem myopathy 1A. Also called: Bethlem Muscular Dystrophy; Bethlem myopathy 1; MYOPATHY, BENIGN CONGENITAL, WITH CONTRACTURES. Identifiers: Orphanet 610, MedGen CN029274, MONDO:0024530, OMIM 158810.

Allele frequency attached by ClinVar (database versions not stated): gnomAD exomes below 0.00001; TOPMed below 0.00001.

Submission:

Labcorp Genetics (formerly Invitae), Labcorp
Classification: Uncertain significance for Bethlem myopathy 1A. Last evaluated: 2021-12-13. Review status: criteria provided, single submitter. Criteria: Invitae Variant Classification Sherloc (09022015). Collection method: clinical testing. Allele origin: germline.
Comment: This sequence change replaces aspartic acid, which is acidic and polar, with glycine, which is neutral and non-polar, at codon 2589 of the COL6A3 protein (p.Asp2589Gly). In summary, the available evidence is currently insufficient to determine the role of this variant in disease. Therefore, it has been classified as a Variant of Uncertain Significance. Algorithms developed to predict the effect of missense changes on protein structure and function are either unavailable or do not agree on the potential impact of this missense change (SIFT: "Deleterious"; PolyPhen-2: "Not Available"; Align-GVGD: "Class C15"). This variant has not been reported in the literature in individuals affected with COL6A3-related conditions. This variant is not present in population databases (gnomAD no frequency).

NM_004369.4(COL6A3):c.7766A>G (p.Asp2589Gly)

Gene: COL6A3 (collagen type VI alpha 3 chain; minus strand). Cytogenetic location: 2q37.3.
Variant type: single nucleotide variant.
Coding change: c.7766A>G on transcript NM_004369.4 (MANE Select); coding-DNA position 7766, A replaced by G.
Protein change: p.Asp2589Gly; replaces aspartic acid 2589 with glycine.
Molecular consequence: missense variant.
Genome position (GRCh38, 1-based): chr2:237,341,150, T>C on the plus strand (A>G on the coding strand, the complement: COL6A3 is on the minus strand). VCF-style: chr2-237341150-T-C. GRCh37 (hg19) VCF-style: chr2-238249793-T-C.
Other names: c.5945A>G, p.Asp1982Gly (NM_057166.5); c.7148A>G, p.Asp2383Gly (NM_057167.4); short protein forms D1982G, D2383G, D2589G.
Identifiers: ClinVar variation 2149453 (VCV002149453.4), dbSNP rs1446906664, ClinGen allele CA351198381.
Genomic context (GRCh38, chr2:237,341,150, plus strand): 5'-CTGTCCCTGAAGGAAGGCCTCCAACTGCCAAATCCACAGGATGGGTCGATGTTGCAGATG[T>C]CTAGAAAGAAGCATGGCAGCCTATTTGTTCTGTGACACCCACAGCAGGATACACAGCTCA-3'
Protein context (NP_004360.2, residues 2579-2599): ENVLTCHVCL[Asp2589Gly]ICNIDPSCGF